The following is an entry in ClinVar:

ClinVar aggregate classification (germline): Uncertain significance (1 of 4 stars; one submission).

Submission:

GeneDx
Classification: Uncertain significance. Last evaluated: 2023-06-14. Review status: criteria provided, single submitter. Criteria: GeneDx Variant Classification Process June 2021. Collection method: clinical testing. Allele origin: germline. Affected: yes.
Comment: Not observed at significant frequency in large population cohorts (gnomAD); In silico analysis supports that this missense variant does not alter protein structure/function; Has not been previously reported as pathogenic or benign to our knowledge

NM_012310.5(KIF4A):c.1696T>G (p.Leu566Val)

Gene: KIF4A (kinesin family member 4A; plus strand). Cytogenetic location: Xq13.1.
Variant type: single nucleotide variant.
Coding change: c.1696T>G on transcript NM_012310.5 (MANE Select); coding-DNA position 1696, T replaced by G.
Protein change: p.Leu566Val; replaces leucine 566 with valine.
Molecular consequence: missense variant.
Genome position (GRCh38, 1-based): chrX:70,374,172, T>G. VCF-style: chrX-70374172-T-G. GRCh37 (hg19) VCF-style: chrX-69594022-T-G.
Other names: short protein forms L566V.
Identifiers: ClinVar variation 3252194 (VCV003252194.1), dbSNP rs2519677902.